The following is an entry in ClinVar:

ClinVar aggregate classification (germline): Uncertain significance (1 of 4 stars; one submission).

Conditions:
Arrhythmogenic right ventricular dysplasia 5. Also called: Arrhythmogenic Right Ventricular Dysplasia/Cardiomyopathy 5; ARRHYTHMOGENIC RIGHT VENTRICULAR DYSPLASIA, FAMILIAL, 5. Identifiers: MedGen C1858379, MONDO:0011459, OMIM 604400.

Allele frequency attached by ClinVar (database versions not stated): gnomAD exomes 0.00001.
gnomAD v4.1: 12 of 1,613,906 alleles (0.00074%); highest among the groups gnomAD compares: Non-Finnish European, 0.00093%; no homozygotes.

Submission:

All of Us Research Program, National Institutes of Health
Classification: Uncertain significance for Arrhythmogenic right ventricular dysplasia 5. Last evaluated: 2023-06-26. Review status: criteria provided, single submitter. Criteria: ACMG Guidelines, 2015. Collection method: clinical testing. Allele origin: germline. Inheritance: Autosomal dominant inheritance. Observed: 1 variant allele, 1 heterozygote.
Comment: This variant causes a T to A nucleotide substitution at the -15 position of intron 6 of the TMEM43 gene. To our knowledge, functional studies have not been reported for this variant. This variant has not been reported in individuals affected with TMEM43-related disorders in the literature. This variant has been identified in 1/251462 chromosomes in the general population by the Genome Aggregation Database (gnomAD). The available evidence is insufficient to determine the role of this variant in disease conclusively. Therefore, this variant is classified as a Variant of Uncertain Significance.

This study involves interpretation of variants in research participants for the purpose of population health screening. Participant phenotype was not available at the time of variant classification. Additional details can be found in publication PMID: 35346344, PMCID: PMC8962531

NM_024334.3(TMEM43):c.513-15T>A

Gene: TMEM43 (transmembrane protein 43; plus strand). Cytogenetic location: 3p25.1.
Variant type: single nucleotide variant.
Coding change: c.513-15T>A on transcript NM_024334.3 (MANE Select); 15 bases into the intron before coding-DNA position 513, T replaced by A.
Molecular consequence: intron variant.
Genome position (GRCh38, 1-based): chr3:14,133,724, T>A. VCF-style: chr3-14133724-T-A. GRCh37 (hg19) VCF-style: chr3-14175224-T-A.
Other names: c.516-15T>A (NM_001407274.1); c.513-15T>A (NM_001407276.1, NM_001407275.1, NM_001407277.1 and 1 more transcripts); c.498-15T>A (NM_001407278.1); c.363-15T>A (NM_001407280.1).
Identifiers: ClinVar variation 3072030 (VCV003072030.1), dbSNP rs1261870201, ClinGen allele CA541296765.